The following is an entry in ClinVar:

NM_003118.4(SPARC):c.437T>G (p.Ile146Ser)

Gene: SPARC (secreted protein acidic and cysteine rich; minus strand). Cytogenetic location: 5q33.1.
Variant type: single nucleotide variant.
Coding change: c.437T>G on transcript NM_003118.4 (MANE Select); coding-DNA position 437, T replaced by G.
Protein change: p.Ile146Ser; replaces isoleucine 146 with serine.
Molecular consequence: missense variant.
Genome position (GRCh38, 1-based): chr5:151,669,678, A>C on the plus strand (T>G on the coding strand, the complement: SPARC is on the minus strand). VCF-style: chr5-151669678-A-C. GRCh37 (hg19) VCF-style: chr5-151049239-A-C.
Other names: p.Ile146Ser; c.434T>G, p.Ile145Ser (NM_001309443.2); c.437T>G, p.Ile146Ser (NM_001309444.2); short protein forms I145S, I146S.
Identifiers: ClinVar variation 3379612 (VCV003379612.1).

ClinVar aggregate classification (germline): Uncertain significance (1 of 4 stars; one submission).

gnomAD v4.1: 1 of 1,614,182 alleles (0.000062%); highest among the groups gnomAD compares: Non-Finnish European, 0.000085%; no homozygotes.

Submission:

Mayo Clinic Laboratories, Mayo Clinic
Classification: Uncertain significance. Last evaluated: 2024-06-04. Review status: criteria provided, single submitter. Criteria: ACMG Guidelines, 2015. Collection method: clinical testing. Allele origin: germline. Observed: 1 variant allele.
Comment: PM2